The following is an entry in ClinVar:

NM_133497.4(KCNV2):c.1552G>T (p.Val518Leu)

Gene: KCNV2 (potassium voltage-gated channel modifier subfamily V member 2; plus strand). Cytogenetic location: 9p24.2.
Variant type: single nucleotide variant.
Coding change: c.1552G>T on transcript NM_133497.4 (MANE Select); coding-DNA position 1552, G replaced by T.
Protein change: p.Val518Leu; replaces valine 518 with leucine.
Molecular consequence: missense variant.
Genome position (GRCh38, 1-based): chr9:2,729,641, G>T. VCF-style: chr9-2729641-G-T. GRCh37 (hg19) VCF-style: chr9-2729641-G-T.
Other names: short protein forms V518L.
Identifiers: ClinVar variation 1410901 (VCV001410901.6), dbSNP rs2130869457, ClinGen allele CA372803710.

ClinVar aggregate classification (germline): Uncertain significance (1 of 4 stars; one submission).

gnomAD v4.1: 11 of 1,614,092 alleles (0.00068%); highest among the groups gnomAD compares: Non-Finnish European, 0.00093%; no homozygotes.

Submission:

Labcorp Genetics (formerly Invitae), Labcorp
Classification: Uncertain significance. Last evaluated: 2022-03-19. Review status: criteria provided, single submitter. Criteria: Invitae Variant Classification Sherloc (09022015). Collection method: clinical testing. Allele origin: germline.
Comment: In summary, the available evidence is currently insufficient to determine the role of this variant in disease. Therefore, it has been classified as a Variant of Uncertain Significance. Advanced modeling of protein sequence and biophysical properties (such as structural, functional, and spatial information, amino acid conservation, physicochemical variation, residue mobility, and thermodynamic stability) performed at Invitae indicates that this missense variant is not expected to disrupt KCNV2 protein function. This variant has not been reported in the literature in individuals affected with KCNV2-related conditions. This variant is not present in population databases (gnomAD no frequency). This sequence change replaces valine, which is neutral and non-polar, with leucine, which is neutral and non-polar, at codon 518 of the KCNV2 protein (p.Val518Leu).